The following is an entry in ClinVar:

NM_024996.7(GFM1):c.1814C>G (p.Ser605Cys)

Gene: GFM1 (G elongation factor mitochondrial 1; plus strand). Cytogenetic location: 3q25.32.
Variant type: single nucleotide variant.
Coding change: c.1814C>G on transcript NM_024996.7 (MANE Select); coding-DNA position 1814, C replaced by G.
Protein change: p.Ser605Cys; replaces serine 605 with cysteine.
Molecular consequence: missense variant. On other transcripts: non-coding transcript variant (2).
Genome position (GRCh38, 1-based): chr3:158,684,573, C>G. VCF-style: chr3-158684573-C-G. GRCh37 (hg19) VCF-style: chr3-158402362-C-G.
Other names: c.1871C>G, p.Ser624Cys (NM_001308164.2); c.1733C>G, p.Ser578Cys (NM_001374355.1); c.1697C>G, p.Ser566Cys (NM_001374356.1); c.1589C>G, p.Ser530Cys (NM_001374357.1); c.1355C>G, p.Ser452Cys (NM_001374358.1); c.1247C>G, p.Ser416Cys (NM_001374359.1, NM_001374360.1); c.1130C>G, p.Ser377Cys (NM_001374361.1); short protein forms S452C, S530C, S566C, S624C, S416C, S578C, S377C, S605C.
Identifiers: ClinVar variation 1446698 (VCV001446698.3), dbSNP rs764772830, ClinGen allele CA2682999.

ClinVar aggregate classification (germline): Uncertain significance (1 of 4 stars; one submission).

gnomAD v4.1: 2 of 1,614,084 alleles (0.00012%); highest among the groups gnomAD compares: Admixed American, 0.0033%; no homozygotes.

Submission:

Labcorp Genetics (formerly Invitae), Labcorp
Classification: Uncertain significance. Last evaluated: 2022-08-31. Review status: criteria provided, single submitter. Criteria: Invitae Variant Classification Sherloc (09022015). Collection method: clinical testing. Allele origin: germline.
Comment: This sequence change replaces serine, which is neutral and polar, with cysteine, which is neutral and slightly polar, at codon 605 of the GFM1 protein (p.Ser605Cys). This variant is present in population databases (rs764772830, gnomAD 0.006%). This variant has not been reported in the literature in individuals affected with GFM1-related conditions. ClinVar contains an entry for this variant (Variation ID: 1446698). Advanced modeling of protein sequence and biophysical properties (such as structural, functional, and spatial information, amino acid conservation, physicochemical variation, residue mobility, and thermodynamic stability) performed at Invitae indicates that this missense variant is not expected to disrupt GFM1 protein function. In summary, the available evidence is currently insufficient to determine the role of this variant in disease. Therefore, it has been classified as a Variant of Uncertain Significance.